The following is an entry in ClinVar:

NM_138387.4(G6PC3):c.16G>T (p.Gly6Cys)

Gene: G6PC3 (glucose-6-phosphatase catalytic subunit 3; plus strand). Cytogenetic location: 17q21.31.
Variant type: single nucleotide variant.
Coding change: c.16G>T on transcript NM_138387.4 (MANE Select); coding-DNA position 16, G replaced by T.
Protein change: p.Gly6Cys; replaces glycine 6 with cysteine.
Molecular consequence: missense variant. On other transcripts: 5 prime UTR variant (3), intron variant (1).
Genome position (GRCh38, 1-based): chr17:44,070,981, G>T. VCF-style: chr17-44070981-G-T. GRCh37 (hg19) VCF-style: chr17-42148349-G-T.
Other names: c.16G>T (NM_138387.3); c.16G>T, p.Gly6Cys (NM_001319945.2); c.-389G>T (NM_001384165.1); c.-524G>T (NM_001384166.1); c.-514G>T (NM_001384167.1); c.-312+267G>T (NM_001384168.1); short protein forms G6C.
Identifiers: ClinVar variation 1060064 (VCV001060064.7), dbSNP rs760709054, ClinGen allele CA8595873.

ClinVar aggregate classification (germline): Uncertain significance. Review status: criteria provided, multiple submitters, no conflicts (2 of 4 stars). 2 submissions from 2 submitters: Uncertain significance (2). Last evaluated 2026-03-17.

Conditions:
Inborn genetic diseases. Identifiers: MedGen C0950123, MeSH D030342.
Autosomal recessive severe congenital neutropenia due to G6PC3 deficiency. Also called: G6PC3 Deficiency; NEUTROPENIA, SEVERE CONGENITAL, 4, AUTOSOMAL RECESSIVE. Identifiers: Orphanet 331176, MedGen C2751630, MONDO:0012930, OMIM 612541.

Submissions (2):

Ambry Genetics
Classification: Uncertain significance for Inborn genetic diseases. Last evaluated: 2026-03-17. Review status: criteria provided, single submitter. Criteria: Ambry Variant Classification Scheme 2023. Collection method: clinical testing. Allele origin: germline.
Comment: The p.G6C variant (also known as c.16G>T), located in coding exon 1 of the G6PC3 gene, results from a G to T substitution at nucleotide position 16. The glycine at codon 6 is replaced by cysteine, an amino acid with highly dissimilar properties. This amino acid position is conserved. In addition, this alteration is predicted to be tolerated by in silico analysis. Based on the available evidence, the clinical significance of this variant remains unclear.

Labcorp Genetics (formerly Invitae), Labcorp
Classification: Uncertain significance for Autosomal recessive severe congenital neutropenia due to G6PC3 deficiency. Last evaluated: 2022-10-24. Review status: criteria provided, single submitter. Criteria: Invitae Variant Classification Sherloc (09022015). Collection method: clinical testing. Allele origin: germline.
Comment: This sequence change replaces glycine, which is neutral and non-polar, with cysteine, which is neutral and slightly polar, at codon 6 of the G6PC3 protein (p.Gly6Cys). This variant is not present in population databases (gnomAD no frequency). This variant has not been reported in the literature in individuals affected with G6PC3-related conditions. ClinVar contains an entry for this variant (Variation ID: 1060064). Advanced modeling of protein sequence and biophysical properties (such as structural, functional, and spatial information, amino acid conservation, physicochemical variation, residue mobility, and thermodynamic stability) performed at Invitae indicates that this missense variant is not expected to disrupt G6PC3 protein function. In summary, the available evidence is currently insufficient to determine the role of this variant in disease. Therefore, it has been classified as a Variant of Uncertain Significance.